The following is an entry in ClinVar:

ClinVar aggregate classification (germline): Likely benign. Review status: reviewed by expert panel (3 of 4 stars). 3 submissions from 3 submitters: Likely benign (1). 2 of the submissions do not count toward it. Last evaluated 2022-07-07.

Conditions:
Hereditary thrombocytopenia and hematologic cancer predisposition syndrome. Identifiers: Orphanet 71290, MedGen CN281654, MONDO:0011071.
Inborn genetic diseases. Identifiers: MedGen C0950123, MeSH D030342.
Hereditary thrombocytopenia and hematological cancer predisposition syndrome associated with RUNX1. Also called: Familial Platelet Disorder with Propensity to Acute Myelogenous Leukemia; Familial thrombocytopenia with propensity to acute myelogenous leukemia; PLATELET DISORDER, ASPIRIN-LIKE; RUNX1 Familial Platelet Disorder with Associated Myeloid Malignancies. Identifiers: Orphanet 71290, MedGen C1832388, MeSH C563324, MONDO:0100083, OMIM 601399.

gnomAD v4.1: 1 of 1,612,542 alleles (0.000062%); highest among the groups gnomAD compares: Non-Finnish European, 0.000085%; no homozygotes.

Submissions (3):

ClinGen Myeloid Malignancy Variant Curation Expert Panel
Classification: Likely benign for Hereditary thrombocytopenia and hematologic cancer predisposition syndrome. Last evaluated: 2022-07-07. Review status: reviewed by expert panel. Criteria: ClinGen MyeloMalig ACMG Specifications v2. Collection method: curation. Allele origin: germline. Inheritance: Autosomal dominant inheritance.
Comment: NM_001754.5(RUNX1):c.741C>T (p.Pro247=) is a synonymous variant. As such, a REVEL score is not calculable, and there is no predicted effect on protein function. SpliceAI predicted the following: Acceptor loss 0, Donor loss 0, Acceptor gain 0, Donor gain 0. As such, there is no in silico evidence of an effect on splicing(BP4). Evolutionary conservation prediction algorithms predict the site as not being conserved (PhyloP score 1.06724 < 2.0)(BP7). This variant is completely absent from all population databases with at least 20x coverage for RUNX1(PM2_supporting). In summary, this variant meets criteria to be classified as likely benign. ACMG/AMP criteria applied, as specified by the Myeloid Malignancy Variant Curation Expert Panel for RUNX1: BP4, BP7, PM2_supporting.

Ambry Genetics
Classification: Likely benign for Inborn genetic diseases. Last evaluated: 2025-01-11. Review status: criteria provided, single submitter. Criteria: Ambry Variant Classification Scheme 2023. Collection method: clinical testing. Allele origin: germline. Not counted in ClinVar's aggregate classification.

Labcorp Genetics (formerly Invitae), Labcorp
Classification: Likely benign for Hereditary thrombocytopenia and hematological cancer predisposition syndrome associated with RUNX1. Last evaluated: 2022-02-09. Review status: criteria provided, single submitter. Criteria: Invitae Variant Classification Sherloc (09022015). Collection method: clinical testing. Allele origin: germline. Not counted in ClinVar's aggregate classification.

NM_001754.5(RUNX1):c.741C>T (p.Pro247=)

Gene: RUNX1 (RUNX family transcription factor 1; minus strand). Cytogenetic location: 21q22.12.
Variant type: single nucleotide variant.
Coding change: c.741C>T on transcript NM_001754.5 (MANE Select); coding-DNA position 741, C replaced by T.
Protein change: p.Pro247=; no amino-acid change (proline 247 retained).
Molecular consequence: synonymous variant.
Genome position (GRCh38, 1-based): chr21:34,834,474, G>A on the plus strand (C>T on the coding strand, the complement: RUNX1 is on the minus strand). VCF-style: chr21-34834474-G-A. GRCh37 (hg19) VCF-style: chr21-36206771-G-A.
Other names: NM_001754.5(RUNX1):c.741C>T; p.Pro247=; c.660C>T, p.Pro220= (NM_001001890.3, NM_001122607.2).
Identifiers: ClinVar variation 415835 (VCV000415835.13), dbSNP rs1060504668, ClinGen allele CA16616523.